The following is an entry in ClinVar:

Conditions:
Long QT syndrome 5 (LQT5). Identifiers: Orphanet 101016, Orphanet 768, MedGen C1867904, MONDO:0013372, OMIM 613695.

Submission:

Roden Lab, Vanderbilt University Medical Center
No classification provided (evidence only). Condition: Long QT syndrome 5. Review status: no classification provided. Collection method: in vitro. Allele origin: not applicable. Functional consequence: Effect on ion channel function.
ClinVar note: "not provided" was previously submitted as the classification for the variant. However, the classification appeared to be based only on an observation of functional data so it was converted to no classification on 2025-07-30.

NM_000219.6(KCNE1):c.70G>T (p.Gly24Cys)

Gene: KCNE1 (potassium voltage-gated channel subfamily E regulatory subunit 1; minus strand). Cytogenetic location: 21q22.12.
Variant type: single nucleotide variant.
Coding change: c.70G>T on transcript NM_000219.6 (MANE Select); coding-DNA position 70, G replaced by T.
Protein change: p.Gly24Cys; replaces glycine 24 with cysteine.
Molecular consequence: missense variant.
Genome position (GRCh38, 1-based): chr21:34,449,565, C>A on the plus strand (G>T on the coding strand, the complement: KCNE1 is on the minus strand). VCF-style: chr21-34449565-C-A. GRCh37 (hg19) VCF-style: chr21-35821863-C-A.
Other names: c.70G>T, p.Gly24Cys (NM_001127668.4, NM_001127669.4, NM_001127670.4 and 4 more transcripts); short protein forms G24C.
Identifiers: ClinVar variation 3373967 (VCV003373967.2).